The following is an entry in ClinVar:

ClinVar aggregate classification (germline): Likely pathogenic (1 of 4 stars; one submission).

Conditions:
Lowe syndrome (OCRL). Also called: LOWE OCULOCEREBRORENAL SYNDROME; Oculocerebrorenal Syndrome; PHOSPHATIDYLINOSITOL 4,5-BISPHOSPHATE 5-PHOSPHATASE DEFICIENCY. Identifiers: Orphanet 534, MedGen C0028860, MONDO:0010645, OMIM 309000.

Submission:

Labcorp Genetics (formerly Invitae), Labcorp
Classification: Likely pathogenic for Lowe syndrome. Last evaluated: 2018-10-13. Review status: criteria provided, single submitter. Criteria: Invitae Variant Classification Sherloc (09022015). Collection method: clinical testing. Allele origin: germline.
Comment: In summary, the currently available evidence indicates that the variant is pathogenic, but additional data are needed to prove that conclusively. Therefore, this variant has been classified as Likely Pathogenic. Donor and acceptor splice site variants typically lead to a loss of protein function (PMID: 16199547), and loss-of-function variants in OCRL are known to be pathogenic (PMID: 21031565, 22381590). This variant has not been reported in the literature in individuals with OCRL-related disease. This variant is not present in population databases (ExAC no frequency). This sequence change affects an acceptor splice site in intron 22 of the OCRL gene. It is expected to disrupt RNA splicing and likely results in an absent or disrupted protein product.

Literature cited by the submitters: PubMed 16199547; PubMed 21031565; PubMed 22381590.

NM_000276.4(OCRL):c.2470-1G>A

Gene: OCRL (OCRL inositol polyphosphate-5-phosphatase; plus strand). Cytogenetic location: Xq26.1.
Variant type: single nucleotide variant.
Coding change: c.2470-1G>A on transcript NM_000276.4 (MANE Select); the canonical splice acceptor site of the intron before coding-DNA position 2470, G replaced by A.
Molecular consequence: splice acceptor variant.
Genome position (GRCh38, 1-based): chrX:129,589,844, G>A. VCF-style: chrX-129589844-G-A. GRCh37 (hg19) VCF-style: chrX-128723821-G-A.
Other names: c.2473-1G>A (NM_001318784.2); c.2446-1G>A (NM_001587.4).
Identifiers: ClinVar variation 657548 (VCV000657548.7), dbSNP rs1602820970, ClinGen allele CA414631721.